The following is an entry in ClinVar:

NM_181552.4(CUX1):c.2879G>T (p.Gly960Val)

Gene: CUX1 (cut like homeobox 1; plus strand). Cytogenetic location: 7q22.1.
Variant type: single nucleotide variant.
Coding change: c.2879G>T on transcript NM_181552.4 (MANE Select); coding-DNA position 2879, G replaced by T.
Protein change: p.Gly960Val; replaces glycine 960 with valine.
Molecular consequence: missense variant. On other transcripts: intron variant (5).
Genome position (GRCh38, 1-based): chr7:102,202,176, G>T. VCF-style: chr7-102202176-G-T. GRCh37 (hg19) VCF-style: chr7-101845456-G-T.
Other names: c.2912G>T, p.Gly971Val (NM_001202543.2); c.1255+6573G>T (NM_001913.5); c.1249+6573G>T (NM_181500.4); c.1117+6573G>T (NM_001202545.3); c.1207+6573G>T (NM_001202544.3); c.1138+6573G>T (NM_001202546.3); short protein forms G960V, G971V.
Identifiers: ClinVar variation 2661935 (VCV002661935.1), dbSNP rs2485475871, ClinGen allele CA368686171.

ClinVar aggregate classification (germline): Uncertain significance (1 of 4 stars; one submission).

Submission:

GeneDx
Classification: Uncertain significance. Last evaluated: 2023-05-08. Review status: criteria provided, single submitter. Criteria: GeneDx Variant Classification Process June 2021. Collection method: clinical testing. Allele origin: germline. Affected: yes.
Comment: Not observed at significant frequency in large population cohorts (gnomAD); In silico analysis supports that this missense variant has a deleterious effect on protein structure/function; Has not been previously published as pathogenic or benign to our knowledge